The following is an entry in ClinVar:

ClinVar aggregate classification (germline): Uncertain significance (1 of 4 stars; one submission).

Allele frequency attached by ClinVar (database versions not stated): ExAC 0.00003; gnomAD 0.00003; gnomAD exomes 0.00003; TOPMed 0.00003.
gnomAD v4.1: 50 of 1,613,728 alleles (0.0031%); highest among the groups gnomAD compares: Non-Finnish European, 0.004%; no homozygotes.

Submission:

Labcorp Genetics (formerly Invitae), Labcorp
Classification: Uncertain significance. Last evaluated: 2022-10-17. Review status: criteria provided, single submitter. Criteria: Invitae Variant Classification Sherloc (09022015). Collection method: clinical testing. Allele origin: germline.
Comment: In summary, the available evidence is currently insufficient to determine the role of this variant in disease. Therefore, it has been classified as a Variant of Uncertain Significance. Algorithms developed to predict the effect of missense changes on protein structure and function are either unavailable or do not agree on the potential impact of this missense change (SIFT: "Tolerated"; PolyPhen-2: "Possibly Damaging"; Align-GVGD: "Class C0"). This variant has not been reported in the literature in individuals affected with LETM1-related conditions. This variant is present in population databases (rs757862552, gnomAD 0.004%). This sequence change replaces valine, which is neutral and non-polar, with isoleucine, which is neutral and non-polar, at codon 389 of the LETM1 protein (p.Val389Ile).

NM_012318.3(LETM1):c.1165G>A (p.Val389Ile)

Gene: LETM1 (leucine zipper and EF-hand containing transmembrane protein 1; minus strand). Cytogenetic location: 4p16.3.
Variant type: single nucleotide variant.
Coding change: c.1165G>A on transcript NM_012318.3 (MANE Select); coding-DNA position 1165, G replaced by A.
Protein change: p.Val389Ile; replaces valine 389 with isoleucine.
Molecular consequence: missense variant.
Genome position (GRCh38, 1-based): chr4:1,825,599, C>T on the plus strand (G>A on the coding strand, the complement: LETM1 is on the minus strand). VCF-style: chr4-1825599-C-T. GRCh37 (hg19) VCF-style: chr4-1827326-C-T.
Other names: short protein forms V389I.
Identifiers: ClinVar variation 2181710 (VCV002181710.4), dbSNP rs757862552, ClinGen allele CA2811393.